The following is an entry in ClinVar:

NM_014159.7(SETD2):c.3036T>G (p.Ser1012Arg)

Gene: SETD2 (SET domain containing 2, histone lysine methyltransferase; minus strand). Cytogenetic location: 3p21.31.
Variant type: single nucleotide variant.
Coding change: c.3036T>G on transcript NM_014159.7 (MANE Select); coding-DNA position 3036, T replaced by G.
Protein change: p.Ser1012Arg; replaces serine 1012 with arginine.
Molecular consequence: missense variant. On other transcripts: non-coding transcript variant (1).
Genome position (GRCh38, 1-based): chr3:47,121,600, A>C on the plus strand (T>G on the coding strand, the complement: SETD2 is on the minus strand). VCF-style: chr3-47121600-A-C. GRCh37 (hg19) VCF-style: chr3-47163090-A-C.
Other names: c.2904T>G, p.Ser968Arg (NM_001349370.3); short protein forms S968R, S1012R.
Identifiers: ClinVar variation 2704023 (VCV002704023.3), dbSNP rs2106655369, ClinGen allele CA352523957.

ClinVar aggregate classification (germline): Uncertain significance (1 of 4 stars; one submission).

Conditions:
Luscan-Lumish syndrome. Identifiers: Orphanet 597738, MedGen C4085873, MONDO:0014791, OMIM 616831.

Submission:

Labcorp Genetics (formerly Invitae), Labcorp
Classification: Uncertain significance for Luscan-Lumish syndrome. Last evaluated: 2024-04-29. Review status: criteria provided, single submitter. Criteria: Invitae Variant Classification Sherloc (09022015). Collection method: clinical testing. Allele origin: germline.
Comment: This sequence change replaces serine, which is neutral and polar, with arginine, which is basic and polar, at codon 1012 of the SETD2 protein (p.Ser1012Arg). This variant is not present in population databases (gnomAD no frequency). This variant has not been reported in the literature in individuals affected with SETD2-related conditions. Advanced modeling of protein sequence and biophysical properties (such as structural, functional, and spatial information, amino acid conservation, physicochemical variation, residue mobility, and thermodynamic stability) performed at Invitae indicates that this missense variant is not expected to disrupt SETD2 protein function with a negative predictive value of 80%. In summary, the available evidence is currently insufficient to determine the role of this variant in disease. Therefore, it has been classified as a Variant of Uncertain Significance.